The following is an entry in ClinVar:

ClinVar aggregate classification (germline): Likely benign (1 of 4 stars; one submission).

Conditions:
Familial cancer of breast. Also called: Hereditary breast cancer; BREAST CANCER, FAMILIAL; hereditary breast carcinoma. Identifiers: Orphanet 227535, MedGen C0346153, MONDO:0016419, OMIM 114480. Disease mechanism: loss of function.

Submission:

Myriad Genetics, Inc.
Classification: Likely benign for Familial cancer of breast. Last evaluated: 2024-10-02. Review status: criteria provided, single submitter. Criteria: Myriad Autosomal Dominant, Autosomal Recessive and X-Linked Classification Criteria (2023). Collection method: clinical testing. Allele origin: unknown.
Comment: This variant is considered likely benign. This variant is intronic and is not expected to impact mRNA splicing.

NM_007194.4(CHEK2):c.320-6T>C

Gene: CHEK2 (checkpoint kinase 2; minus strand). Cytogenetic location: 22q12.1.
Variant type: single nucleotide variant.
Coding change: c.320-6T>C on transcript NM_007194.4 (MANE Select); 6 bases into the intron before coding-DNA position 320, T replaced by C.
Molecular consequence: intron variant.
Genome position (GRCh38, 1-based): chr22:28,725,373, A>G on the plus strand (T>C on the coding strand, the complement: CHEK2 is on the minus strand). VCF-style: chr22-28725373-A-G. GRCh37 (hg19) VCF-style: chr22-29121361-A-G.
Other names: c.-344-6T>C (NM_001437942.1); c.320-6T>C (NM_001349956.3, NM_145862.3); c.-458-6T>C (NM_001257387.3); c.413-6T>C (NM_001438295.1, NM_001438293.1); c.449-6T>C (NM_001438294.1, NM_001005735.3).
Identifiers: ClinVar variation 3772725 (VCV003772725.1).